The following is an entry in ClinVar:

NM_001376.5(DYNC1H1):c.9451C>A (p.His3151Asn)

Genes: DYNC1H1 (dynein cytoplasmic 1 heavy chain 1; plus strand), LOC126862060 (BRD4-independent group 4 enhancer GRCh37_chr14:102493659-102494858; plus strand). Cytogenetic location: 14q32.31.
Variant type: single nucleotide variant.
Coding change: c.9451C>A on transcript NM_001376.5 (MANE Select); coding-DNA position 9451, C replaced by A.
Protein change: p.His3151Asn; replaces histidine 3151 with asparagine.
Molecular consequence: missense variant.
Genome position (GRCh38, 1-based): chr14:102,028,124, C>A. VCF-style: chr14-102028124-C-A. GRCh37 (hg19) VCF-style: chr14-102494461-C-A.
Other names: short protein forms H3151N.
Identifiers: ClinVar variation 3719691 (VCV003719691.2).
Genomic context (GRCh38, chr14:102,028,124, plus strand): 5'-GATAAGCTGCCGCAGCCACCATCCCATCGGGAAGCCATTGTGAACAGCTGTGTGTTTGTT[C>A]ATCAGACTCTTCACCAGGTGGGTTCAGTTTTGAGATCAACAGATAAACCACAAAACTAAC-3'
Protein context (NP_001367.2, residues 3141-3161): EAIVNSCVFV[His3151Asn]QTLHQANARL

ClinVar aggregate classification (germline): Uncertain significance (1 of 4 stars; one submission).

Conditions:
Charcot-Marie-Tooth disease axonal type 2O. Also called: Charcot-Marie-Tooth disease, axonal, type 20; CHARCOT-MARIE-TOOTH NEUROPATHY, AXONAL, TYPE 2O; CHARCOT-MARIE-TOOTH DISEASE, AXONAL, AUTOSOMAL DOMINANT, TYPE 2O; Charcot-Marie-Tooth Neuropathy Type 2O. Identifiers: Orphanet 284232, MedGen C3280220, MONDO:0013644, OMIM 614228.

gnomAD v4.1: 1 of 1,614,030 alleles (0.000062%); highest among the groups gnomAD compares: South Asian, 0.0011%; no homozygotes.

Submission:

Labcorp Genetics (formerly Invitae), Labcorp
Classification: Uncertain significance for Charcot-Marie-Tooth disease axonal type 2O. Last evaluated: 2024-05-13. Review status: criteria provided, single submitter. Criteria: Invitae Variant Classification Sherloc (09022015). Collection method: clinical testing. Allele origin: germline.
Comment: This sequence change replaces histidine, which is basic and polar, with asparagine, which is neutral and polar, at codon 3151 of the DYNC1H1 protein (p.His3151Asn). This variant is not present in population databases (gnomAD no frequency). This variant has not been reported in the literature in individuals affected with DYNC1H1-related conditions. Advanced modeling of protein sequence and biophysical properties (such as structural, functional, and spatial information, amino acid conservation, physicochemical variation, residue mobility, and thermodynamic stability) performed at Invitae indicates that this missense variant is expected to disrupt DYNC1H1 protein function with a positive predictive value of 95%. In summary, the available evidence is currently insufficient to determine the role of this variant in disease. Therefore, it has been classified as a Variant of Uncertain Significance.